The following is an entry in ClinVar:

NM_001353214.3(DYM):c.1728+7_1728+8insTACT

Gene: DYM (dymeclin; minus strand). Cytogenetic location: 18q21.1.
Variant type: Insertion.
Coding change: c.1728+7_1728+8insTACT on transcript NM_001353214.3 (MANE Select); bases 7 to 8 of the intron after coding-DNA position 1728, TACT inserted.
Molecular consequence: intron variant.
Genome position: GRCh38 VCF-style: chr18-49163677-C-CAGTA. GRCh37 (hg19) VCF-style: chr18-46690047-C-CAGTA.
Other names: c.1557+7_1557+8insTACT (NM_001374439.1); c.1722+7_1722+8insTACT (NM_001374429.1); c.1560+7_1560+8insTACT (NM_001353211.3, NM_001374438.1, NM_001374435.1 and 1 more transcripts); c.1725+7_1725+8insTACT (NM_001353212.3, NM_001353213.3); c.990+7_990+8insTACT (NM_001374443.1); c.993+7_993+8insTACT (NM_001374444.1, NM_001374442.1); c.1158+7_1158+8insTACT (NM_001374441.1); c.1335+7_1335+8insTACT (NM_001374440.1); and 5 more.
Identifiers: ClinVar variation 3047442 (VCV003047442.2), dbSNP rs1224781741, ClinGen allele CA629848119.

ClinVar aggregate classification (germline): Likely benign (0 of 4 stars; one submission).

Conditions:
DYM-related disorder. Also called: DYM-related condition.

Allele frequency attached by ClinVar (database versions not stated): gnomAD exomes below 0.00001; TOPMed 0.00001; gnomAD 0.00002.

Submission:

PreventionGenetics, part of Exact Sciences
Classification: Likely benign for DYM-related condition. Last evaluated: 2019-04-01. Review status: no assertion criteria provided. Collection method: clinical testing. Allele origin: germline.
Comment: This variant is classified as likely benign based on ACMG/AMP sequence variant interpretation guidelines (Richards et al. 2015 PMID: 25741868, with internal and published modifications).